The following is an entry in ClinVar:

ClinVar aggregate classification (germline): Benign/Likely benign. Review status: criteria provided, multiple submitters, no conflicts (2 of 4 stars). 4 submissions from 4 submitters: Benign (1); Likely benign (3). Last evaluated 2025-09-03.

Conditions:
Hereditary cancer-predisposing syndrome. Also called: Tumor predisposition; Hereditary Cancer Syndrome; Hereditary neoplastic syndrome; Neoplastic Syndromes, Hereditary. Identifiers: Orphanet 140162, MedGen C0027672, MeSH D009386, MONDO:0015356.
Hereditary diffuse gastric adenocarcinoma (HDGC). Also called: DIFFUSE GASTRIC AND LOBULAR BREAST CANCER SYNDROME. Identifiers: Orphanet 26106, MedGen C1708349, MONDO:0007648, OMIM 137215.

Submissions (4):

Labcorp Genetics (formerly Invitae), Labcorp
Classification: Likely benign for Hereditary diffuse gastric adenocarcinoma. Last evaluated: 2025-09-03. Review status: criteria provided, single submitter. Criteria: Invitae Variant Classification Sherloc (09022015). Collection method: clinical testing. Allele origin: germline.

Myriad Genetics, Inc.
Classification: Benign for Hereditary diffuse gastric adenocarcinoma. Last evaluated: 2024-09-23. Review status: criteria provided, single submitter. Criteria: Myriad Autosomal Dominant, Autosomal Recessive and X-Linked Classification Criteria (2023). Collection method: clinical testing. Allele origin: unknown.
Comment: This variant is considered benign. This variant is a silent/synonymous amino acid change and it is not expected to impact splicing.

Ambry Genetics
Classification: Likely benign for Hereditary cancer-predisposing syndrome. Last evaluated: 2020-01-14. Review status: criteria provided, single submitter. Criteria: Ambry Variant Classification Scheme 2023. Collection method: clinical testing. Allele origin: germline.

GeneDx
Classification: Likely benign. Last evaluated: 2017-11-22. Review status: criteria provided, single submitter. Criteria: GeneDx Variant Classification (06012015). Collection method: clinical testing. Allele origin: germline. Affected: yes.
Comment: This variant is considered likely benign or benign based on one or more of the following criteria: it is a conservative change, it occurs at a poorly conserved position in the protein, it is predicted to be benign by multiple in silico algorithms, and/or has population frequency not consistent with disease.

NM_004360.5(CDH1):c.2400C>T (p.Arg800=)

Gene: CDH1 (cadherin 1; plus strand). Cytogenetic location: 16q22.1.
Variant type: single nucleotide variant.
Coding change: c.2400C>T on transcript NM_004360.5 (MANE Select); coding-DNA position 2400, C replaced by T.
Protein change: p.Arg800=; no amino-acid change (arginine 800 retained).
Molecular consequence: synonymous variant.
Genome position (GRCh38, 1-based): chr16:68,829,758, C>T. VCF-style: chr16-68829758-C-T. GRCh37 (hg19) VCF-style: chr16-68863661-C-T.
Other names: c.2400C>T (LRG_301t1); c.2217C>T, p.Arg739= (NM_001317184.2); c.852C>T, p.Arg284= (NM_001317185.2); c.435C>T, p.Arg145= (NM_001317186.2).
Identifiers: ClinVar variation 184825 (VCV000184825.8), dbSNP rs786201718, ClinGen allele CA190162.
Genomic context (GRCh38, chr16:68,829,758, plus strand): 5'-TGAAGTGACTCGTAACGACGTTGCACCAACCCTCATGAGTGTCCCCCGGTATCTTCCCCG[C>T]CCTGCCAATCCCGATGAAATTGGAAATTTTATTGATGAAGTAAGTAATCCACGTGGAAAG-3'
Protein context (NP_004351.1, residues 790-810): TLMSVPRYLP[Arg800=]PANPDEIGNF